The following is an entry in ClinVar:

ClinVar aggregate classification (germline): Likely benign (0 of 4 stars; one submission).

Conditions:
DICER1-related disorder. Also called: DICER1-related condition.

Submission:

PreventionGenetics, part of Exact Sciences
Classification: Likely benign for DICER1-related condition. Last evaluated: 2022-03-28. Review status: no assertion criteria provided. Collection method: clinical testing. Allele origin: germline.
Comment: This variant is classified as likely benign based on ACMG/AMP sequence variant interpretation guidelines (Richards et al. 2015 PMID: 25741868, with internal and published modifications).

NM_177438.3(DICER1):c.3924T>C (p.Asp1308=)

Gene: DICER1 (dicer 1, ribonuclease III; minus strand). Cytogenetic location: 14q32.13.
Variant type: single nucleotide variant.
Coding change: c.3924T>C on transcript NM_177438.3 (MANE Select); coding-DNA position 3924, T replaced by C.
Protein change: p.Asp1308=; no amino-acid change (aspartic acid 1308 retained).
Molecular consequence: synonymous variant. On other transcripts: non-coding transcript variant (6).
Genome position (GRCh38, 1-based): chr14:95,103,472, A>G on the plus strand (T>C on the coding strand, the complement: DICER1 is on the minus strand). VCF-style: chr14-95103472-A-G. GRCh37 (hg19) VCF-style: chr14-95569809-A-G.
Other names: c.3924T>C, p.Asp1308= (NM_001195573.1, NM_001271282.3, NM_001291628.2 and 13 more transcripts); c.3642T>C, p.Asp1214= (NM_001395686.1); c.3519T>C, p.Asp1173= (NM_001395687.1, NM_001395688.1, NM_001395689.1 and 2 more transcripts); c.3357T>C, p.Asp1119= (NM_001395691.1); c.2241T>C, p.Asp747= (NM_001395697.1).
Identifiers: ClinVar variation 3050826 (VCV003050826.2), dbSNP rs2542688865, ClinGen allele CA487844333.
Genomic context (GRCh38, chr14:95,103,472, plus strand): 5'-GGTGATGGCATGCTTTAAAAAGGAGTCGCCAAGCATTTCAAGCCGCTCCAGGTTAAATCC[A>G]TCACTAGCGTTTGACAGAGTCAAAGCCTGAAGAATAAGTCCAGGATTGGGGCCAAGAGTC-3'
Protein context (NP_803187.1, residues 1298-1318): LQALTLSNAS[Asp1308=]GFNLERLEML